The following is an entry in ClinVar:

NM_004195.3(TNFRSF18):c.18G>A (p.Ala6=)

Gene: TNFRSF18 (TNF receptor superfamily member 18; minus strand). Cytogenetic location: 1p36.33.
Variant type: single nucleotide variant.
Coding change: c.18G>A on transcript NM_004195.3 (MANE Select); coding-DNA position 18, G replaced by A.
Protein change: p.Ala6=; no amino-acid change (alanine 6 retained).
Molecular consequence: synonymous variant.
Genome position (GRCh38, 1-based): chr1:1,206,554, C>T on the plus strand (G>A on the coding strand, the complement: TNFRSF18 is on the minus strand). VCF-style: chr1-1206554-C-T. GRCh37 (hg19) VCF-style: chr1-1141934-C-T.
Other names: c.18G>A, p.Ala6= (NM_148901.2, NM_148902.2).
Identifiers: ClinVar variation 2637990 (VCV002637990.24), dbSNP rs371411514, ClinGen allele CA512294.

ClinVar aggregate classification (germline): Likely benign (1 of 4 stars; one submission).

Allele frequency attached by ClinVar (database versions not stated): ESP Exome Variant Server 0.00061; 1000 Genomes Project 30x 0.00078; 1000 Genomes Project 0.00080; gnomAD exomes 0.00099; TOPMed 0.00104; gnomAD 0.00109; ExAC 0.00379.

Submission:

CeGaT Center for Human Genetics Tuebingen
Classification: Likely benign. Last evaluated: 2022-09-01. Review status: criteria provided, single submitter. Criteria: CeGaT Center For Human Genetics Tuebingen Variant Classification Criteria Version 2. Collection method: clinical testing. Allele origin: germline. Affected: yes. Observed: 1 variant allele.
Comment: TNFRSF18: BP4, BP7